The following is an entry in ClinVar:

NC_000007.13:g.(?_152357776)_(152357877_?)dup

Gene: XRCC2 (X-ray repair cross complementing 2; minus strand). Cytogenetic location: 7q36.1.
Variant type: Duplication.
Identifiers: ClinVar variation 2425353 (VCV002425353.3).

ClinVar aggregate classification (germline): Uncertain significance (1 of 4 stars; one submission).

Submission:

Labcorp Genetics (formerly Invitae), Labcorp
Classification: Uncertain significance. Last evaluated: 2022-07-19. Review status: criteria provided, single submitter. Criteria: Invitae Variant Classification Sherloc (09022015). Collection method: clinical testing. Allele origin: germline.
Comment: This variant results in a copy number gain of the genomic region encompassing exon(s) 2 of the XRCC2 gene. While the exact position of this variant cannot be determined from the data, sub-genic copy number gains are generally in tandem (PMID: 25640679). This variant is predicted to be out-of-frame, and may result in an absent or disrupted protein product. However, the current clinical and genetic evidence is not sufficient to establish whether loss-of-function variants in XRCC2 cause disease. This variant has not been reported in the literature in individuals affected with XRCC2-related conditions. In summary, the available evidence is currently insufficient to determine the role of this variant in disease. Therefore, it has been classified as a Variant of Uncertain Significance.

Literature cited by the submitters: PubMed 25640679.